The following is an entry in ClinVar:

NM_015360.5(MTREX):c.1992T>C (p.Asn664=)

Gene: MTREX (Mtr4 exosome RNA helicase; plus strand). Cytogenetic location: 5q11.2.
Variant type: single nucleotide variant.
Coding change: c.1992T>C on transcript NM_015360.5 (MANE Select); coding-DNA position 1992, T replaced by C.
Protein change: p.Asn664=; no amino-acid change (asparagine 664 retained).
Molecular consequence: synonymous variant.
Genome position (GRCh38, 1-based): chr5:55,379,135, T>C. VCF-style: chr5-55379135-T-C. GRCh37 (hg19) VCF-style: chr5-54674963-T-C.
Identifiers: ClinVar variation 2655464 (VCV002655464.24), dbSNP rs139182599, ClinGen allele CA3268473.

ClinVar aggregate classification (germline): Likely benign (1 of 4 stars; one submission).

Allele frequency attached by ClinVar (database versions not stated): 1000 Genomes Project 30x 0.00094; 1000 Genomes Project 0.00120; TOPMed 0.00260; ExAC 0.00360; ESP Exome Variant Server 0.00369; gnomAD exomes 0.00376; gnomAD 0.00388.
gnomAD v4.1: 6,006 of 1,607,574 alleles (0.37%); highest among the groups gnomAD compares: Non-Finnish European, 0.39%; 36 homozygotes.

Submission:

CeGaT Center for Human Genetics Tuebingen
Classification: Likely benign. Last evaluated: 2023-03-01. Review status: criteria provided, single submitter. Criteria: CeGaT Center For Human Genetics Tuebingen Variant Classification Criteria Version 2. Collection method: clinical testing. Allele origin: germline. Affected: yes. Observed: 1 variant allele.
Comment: MTREX: BP4, BS2